The following is an entry in ClinVar:

NM_000548.5(TSC2):c.3164_3170del (p.Gly1055fs)

Gene: TSC2 (TSC complex subunit 2; plus strand). Cytogenetic location: 16p13.3.
Variant type: Deletion.
Coding change: c.3164_3170del on transcript NM_000548.5 (MANE Select); coding-DNA positions 3164 to 3170, 7 bases deleted (GCAGGAC; older notation c.3164_3170delGCAGGAC).
Protein change: p.Gly1055fs; shifts the reading frame from glycine 1055.
Molecular consequence: frameshift variant.
Genome position (GRCh38, 1-based): chr16:2,079,308-2,079,314, GCAGGAC deleted. VCF-style (leftmost placement, unchanged base first): chr16-2079307-GGCAGGAC-G. GRCh37 (hg19) VCF-style: chr16-2129308-GGCAGGAC-G.
Other names: c.3032_3038del, p.Gly1011fs (NM_001077183.3, NM_001370404.1); c.3164_3170del, p.Gly1055fs (NM_001114382.3); c.2924_2930del, p.Gly975fs (NM_001318827.2); c.2888_2894del, p.Gly963fs (NM_001318829.2); c.2432_2438del, p.Gly811fs (NM_001318831.2); c.3065_3071del, p.Gly1022fs (NM_001318832.2); c.3035_3041del, p.Gly1012fs (NM_001363528.2, NM_001370405.1, NM_021055.3); short protein forms G963fs, G1022fs, G811fs, G1012fs, G1055fs, G975fs, G1011fs.
Identifiers: ClinVar variation 1414762 (VCV001414762.6), dbSNP rs2151437718, ClinGen allele CA2573151654.

ClinVar aggregate classification (germline): Pathogenic (1 of 4 stars; one submission).

Conditions:
Tuberous sclerosis 2 (TSC2). Identifiers: Orphanet 805, MedGen C1860707, MONDO:0013199, OMIM 613254.

Submission:

Labcorp Genetics (formerly Invitae), Labcorp
Classification: Pathogenic for Tuberous sclerosis 2. Last evaluated: 2021-04-15. Review status: criteria provided, single submitter. Criteria: Invitae Variant Classification Sherloc (09022015). Collection method: clinical testing. Allele origin: germline.
Comment: For these reasons, this variant has been classified as Pathogenic. This variant has not been reported in the literature in individuals with TSC2-related conditions. This variant is not present in population databases (ExAC no frequency). This sequence change creates a premature translational stop signal (p.Gly1055Alafs*13) in the TSC2 gene. It is expected to result in an absent or disrupted protein product. Loss-of-function variants in TSC2 are known to be pathogenic (PMID: 10205261, 17304050).

Literature cited by the submitters: PubMed 10205261; PubMed 17304050.